The following is an entry in ClinVar:

NM_000542.5(SFTPB):c.*1848G>A

Gene: SFTPB (surfactant protein B; minus strand). Cytogenetic location: 2p11.2.
Variant type: single nucleotide variant.
Coding change: c.*1848G>A on transcript NM_000542.5 (MANE Select); 1848 bases downstream of the stop codon, G replaced by A.
Molecular consequence: 3 prime UTR variant.
Genome position (GRCh38, 1-based): chr2:85,657,854, C>T on the plus strand (G>A on the coding strand, the complement: SFTPB is on the minus strand). VCF-style: chr2-85657854-C-T. GRCh37 (hg19) VCF-style: chr2-85884977-C-T.
Other names: c.*927G>A (NM_001367281.2); c.*1021G>A (NM_198843.4).
Identifiers: ClinVar variation 337291 (VCV000337291.6), dbSNP rs3024829, ClinGen allele CA10616186.

ClinVar aggregate classification (germline): Likely benign. Review status: criteria provided, multiple submitters, no conflicts (2 of 4 stars). 2 submissions from 2 submitters: Likely benign (2). Last evaluated 2018-01-13.

Conditions:
Surfactant metabolism dysfunction, pulmonary, 1. Also called: INTERSTITIAL LUNG DISEASE DUE TO SURFACTANT PROTEIN B DEFICIENCY; INTERSTITIAL LUNG DISEASE, NONSPECIFIC, DUE TO SURFACTANT PROTEIN B DEFICIENCY; PULMONARY ALVEOLAR PROTEINOSIS, CONGENITAL, 1; Pulmonary surfactant protein B, deficiency of; Neonatal acute respiratory distress due to SP-B deficiency. Identifiers: Orphanet 217563, MedGen C1968602, MONDO:0009929, OMIM 265120.

Allele frequency attached by ClinVar (database versions not stated): 1000 Genomes Project 0.00339; TOPMed 0.00349; gnomAD 0.00352 and 0.00361; 1000 Genomes Project 30x 0.00359.

Submissions (2):

Illumina Laboratory Services, Illumina
Classification: Likely benign for Surfactant metabolism dysfunction, pulmonary, 1. Last evaluated: 2018-01-13. Review status: criteria provided, single submitter. Criteria: ICSL Variant Classification Criteria 13 December 2019. Collection method: clinical testing. Allele origin: germline.
Comment: This variant was observed in the ICSL laboratory as part of a predisposition screen in an ostensibly healthy population. It had not been previously curated by ICSL or reported in the Human Gene Mutation Database (HGMD: prior to June 1st, 2018), and was therefore a candidate for classification through an automated scoring system. Utilizing variant allele frequency, disease prevalence and penetrance estimates, and inheritance mode, an automated score was calculated to assess if this variant is too frequent to cause the disease. Based on the score and internal cut-off values, a variant classified as likely benign is not then subjected to further curation. The score for this variant resulted in a classification of likely benign for this disease.

Breakthrough Genomics
Classification: Likely benign. Review status: criteria provided, single submitter. Criteria: ACMG Guidelines, 2015. Collection method: not provided. Allele origin: germline. Inheritance: Autosomal recessive inheritance. Affected: yes.